The following is an entry in ClinVar:

ClinVar aggregate classification (germline): Uncertain significance (1 of 4 stars; one submission).

Conditions:
HYPERHOMOCYSTEINEMIA, THROMBOTIC, CBS-RELATED. Identifiers: MedGen C3150344, OMIM 236200.

Allele frequency attached by ClinVar (database versions not stated): ExAC 0.00005; 1000 Genomes Project 0.00040.

Submission:

Labcorp Genetics (formerly Invitae), Labcorp
Classification: Uncertain significance for HYPERHOMOCYSTEINEMIA, THROMBOTIC, CBS-RELATED. Last evaluated: 2022-07-09. Review status: criteria provided, single submitter. Criteria: Invitae Variant Classification Sherloc (09022015). Collection method: clinical testing. Allele origin: germline.
Comment: This sequence change replaces alanine, which is neutral and non-polar, with valine, which is neutral and non-polar, at codon 452 of the CBS protein (p.Ala452Val). The frequency data for this variant in the population databases is considered unreliable, as metrics indicate poor data quality at this position in the gnomAD database. This variant has not been reported in the literature in individuals affected with CBS-related conditions. Algorithms developed to predict the effect of missense changes on protein structure and function (SIFT, PolyPhen-2, Align-GVGD) all suggest that this variant is likely to be tolerated. Algorithms developed to predict the effect of sequence changes on RNA splicing suggest that this variant may create or strengthen a splice site. In summary, the available evidence is currently insufficient to determine the role of this variant in disease. Therefore, it has been classified as a Variant of Uncertain Significance.

NM_000071.3(CBS):c.1355C>T (p.Ala452Val)

Gene: CBS (cystathionine beta-synthase; minus strand). Cytogenetic location: 21q22.3.
Variant type: single nucleotide variant.
Coding change: c.1355C>T on transcript NM_000071.3 (MANE Select); coding-DNA position 1355, C replaced by T.
Protein change: p.Ala452Val; replaces alanine 452 with valine.
Molecular consequence: missense variant.
Genome position (GRCh38, 1-based): chr21:43,058,837, G>A on the plus strand (C>T on the coding strand, the complement: CBS is on the minus strand). VCF-style: chr21-43058837-G-A. GRCh37 (hg19) VCF-style: chr21-44478947-G-A.
Other names: c.1355C>T, p.Ala452Val (NM_001178008.3, NM_001178009.3, NM_001320298.2); c.1040C>T, p.Ala347Val (NM_001321072.1); short protein forms A452V, A347V.
Identifiers: ClinVar variation 2044279 (VCV002044279.1), dbSNP rs201585750, ClinGen allele CA321687965.